The following is an entry in ClinVar:

ClinVar aggregate classification (germline): Uncertain significance. Review status: criteria provided, multiple submitters, no conflicts (2 of 4 stars). 2 submissions from 2 submitters: Uncertain significance (2). Last evaluated 2024-12-05.

Allele frequency attached by ClinVar (database versions not stated): TOPMed 0.00007; ExAC 0.00008; gnomAD 0.00008; gnomAD exomes 0.00009.
gnomAD v4.1: 159 of 1,614,152 alleles (0.0099%); highest among the groups gnomAD compares: Middle Eastern, 0.23%; 1 homozygote.

Submissions (2):

Women's Health and Genetics/Laboratory Corporation of America, LabCorp
Classification: Uncertain significance. Last evaluated: 2024-12-05. Review status: criteria provided, single submitter. Criteria: LabCorp Variant Classification Summary - May 2015. Collection method: clinical testing. Allele origin: germline.
Comment: Variant summary: TRAPPC10 c.1235A>T (p.Asn412Ile) results in a non-conservative amino acid change in the encoded protein sequence. Three of five in-silico tools predict a benign effect of the variant on protein function. The variant allele was found at a frequency of 6.8e-05 in 251476 control chromosomes, predominantly at a frequency of 0.00013 within the Non-Finnish European subpopulation in the gnomAD database. This frequency is not significantly higher than estimated for a pathogenic variant in TRAPPC10 causing Neurodevelopmental Disorder With Microcephaly, Short Stature, And Speech Delay, allowing no conclusion about variant significance. To our knowledge, no occurrence of c.1235A>T in individuals affected with Neurodevelopmental Disorder With Microcephaly, Short Stature, And Speech Delay and no experimental evidence demonstrating its impact on protein function have been reported. ClinVar contains an entry for this variant (Variation ID: 2351482). Based on the evidence outlined above, the variant was classified as uncertain significance.

Ambry Genetics
Classification: Uncertain significance. Last evaluated: 2024-09-27. Review status: criteria provided, single submitter. Criteria: Ambry Variant Classification Scheme 2023. Collection method: clinical testing. Allele origin: germline.

NM_003274.5(TRAPPC10):c.1235A>T (p.Asn412Ile)

Gene: TRAPPC10 (trafficking protein particle complex subunit 10; plus strand). Cytogenetic location: 21q22.3.
Variant type: single nucleotide variant.
Coding change: c.1235A>T on transcript NM_003274.5 (MANE Select); coding-DNA position 1235, A replaced by T.
Protein change: p.Asn412Ile; replaces asparagine 412 with isoleucine.
Molecular consequence: missense variant. On other transcripts: 5 prime UTR variant (1).
Genome position (GRCh38, 1-based): chr21:44,075,088, A>T. VCF-style: chr21-44075088-A-T. GRCh37 (hg19) VCF-style: chr21-45494969-A-T.
Other names: c.-270A>T (NM_001351709.1); short protein forms N412I.
Identifiers: ClinVar variation 2351482 (VCV002351482.4), dbSNP rs754325294, ClinGen allele CA10050447.